The following is an entry in ClinVar:

ClinVar aggregate classification (germline): Likely benign. Review status: criteria provided, single submitter (1 of 4 stars). 2 submissions from 2 submitters: Likely benign (1). 1 of the submissions does not count toward it. Last evaluated 2024-07-05.

Conditions:
ARHGAP29-related disorder. Also called: ARHGAP29-related condition; ARHGAP29-Related Disorders.

Submissions (2):

Blueprint Genetics
Classification: Likely benign. Last evaluated: 2024-07-05. Review status: criteria provided, single submitter. Criteria: ACMG Guidelines, 2015. Collection method: clinical testing. Allele origin: germline.

PreventionGenetics, part of Exact Sciences
Classification: Likely benign for ARHGAP29-related condition. Last evaluated: 2021-09-30. Review status: no assertion criteria provided. Collection method: clinical testing. Allele origin: germline. Not counted in ClinVar's aggregate classification.
Comment: This variant is classified as likely benign based on ACMG/AMP sequence variant interpretation guidelines (Richards et al. 2015 PMID: 25741868, with internal and published modifications).

NM_004815.4(ARHGAP29):c.873+11_873+15del

Gene: ARHGAP29 (Rho GTPase activating protein 29; minus strand). Cytogenetic location: 1p22.1.
Variant type: Deletion.
Coding change: c.873+11_873+15del on transcript NM_004815.4 (MANE Select); bases 11 to 15 of the intron after coding-DNA position 873, 5 bases deleted (ATTTA; older notation c.873+11_873+15delATTTA).
Molecular consequence: intron variant.
Genome position (GRCh38, 1-based): chr1:94,203,085-94,203,089, TAAAT deleted on the plus strand (ATTTA on the coding strand, the reverse complement: ARHGAP29 is on the minus strand); deleting any 5 consecutive bases within chr1:94,203,085-94,203,092 gives the same sequence; the c. name uses the placement nearest the transcript's 3' end. VCF-style (leftmost placement, unchanged base first): chr1-94203084-ATAAAT-A. GRCh37 (hg19) VCF-style: chr1-94668640-ATAAAT-A.
Other names: c.681+11_681+15del (NM_001328665.2, NM_001328667.2); c.873+11_873+15del (NM_001328664.2, NM_001328666.2).
Identifiers: ClinVar variation 3037555 (VCV003037555.3), dbSNP rs372583237, ClinGen allele CA959671.